The following is an entry in ClinVar:

NM_030957.4(ADAMTS10):c.217G>A (p.Glu73Lys)

Gene: ADAMTS10 (ADAM metallopeptidase with thrombospondin type 1 motif 10; minus strand). Cytogenetic location: 19p13.2.
Variant type: single nucleotide variant.
Coding change: c.217G>A on transcript NM_030957.4 (MANE Select); coding-DNA position 217, G replaced by A.
Protein change: p.Glu73Lys; replaces glutamic acid 73 with lysine.
Molecular consequence: missense variant.
Genome position (GRCh38, 1-based): chr19:8,605,230, C>T on the plus strand (G>A on the coding strand, the complement: ADAMTS10 is on the minus strand). VCF-style: chr19-8605230-C-T. GRCh37 (hg19) VCF-style: chr19-8670115-C-T.
Other names: p.Glu73Lys; short protein forms E73K.
Identifiers: ClinVar variation 715260 (VCV000715260.45), dbSNP rs61750006, ClinGen allele CA9160897.

ClinVar aggregate classification (germline): Benign/Likely benign. Review status: criteria provided, multiple submitters, no conflicts (2 of 4 stars). 9 submissions from 9 submitters: Benign (2); Likely benign (4). 3 of the submissions do not count toward it. Last evaluated 2026-02-04.

Conditions:
ADAMTS10-related disorder. Also called: ADAMTS10-related condition.
Weill-Marchesani syndrome. Also called: WM Syndrome; Mesodermal dysmorphodystrophy congenital. Identifiers: Orphanet 3449, MedGen C0265313, MONDO:0018096.

Allele frequency attached by ClinVar (database versions not stated): 1000 Genomes Project 30x 0.00234; 1000 Genomes Project 0.00280; TOPMed 0.00366; gnomAD exomes 0.00389 and 0.00658; gnomAD 0.00405 and 0.00419; ExAC 0.00472; ESP Exome Variant Server 0.00546.
gnomAD v4.1: 10,119 of 1,613,566 alleles (0.63%); highest among the groups gnomAD compares: Non-Finnish European, 0.79%; 32 homozygotes.

Submissions (9):

Labcorp Genetics (formerly Invitae), Labcorp
Classification: Benign. Last evaluated: 2026-02-04. Review status: criteria provided, single submitter. Criteria: Invitae Variant Classification Sherloc (09022015). Collection method: clinical testing. Allele origin: germline.

CeGaT Center for Human Genetics Tuebingen
Classification: Likely benign. Last evaluated: 2025-12-01. Review status: criteria provided, single submitter. Criteria: CeGaT Center For Human Genetics Tuebingen Variant Classification Criteria Version 2. Collection method: clinical testing. Allele origin: germline. Affected: yes. Observed: 5 variant alleles.
Comment: ADAMTS10: BS2

Blueprint Genetics
Classification: Likely benign. Last evaluated: 2024-11-26. Review status: criteria provided, single submitter. Criteria: ACMG Guidelines, 2015. Collection method: clinical testing. Allele origin: germline.

Mayo Clinic Laboratories, Mayo Clinic
Classification: Benign. Last evaluated: 2023-08-04. Review status: criteria provided, single submitter. Criteria: ACMG Guidelines, 2015. Collection method: clinical testing. Allele origin: germline. Observed: 8 variant alleles.
Comment: BS1, BS2, BP4, PP2

GeneDx
Classification: Likely benign. Last evaluated: 2023-05-03. Review status: criteria provided, single submitter. Criteria: GeneDx Variant Classification Process June 2021. Collection method: clinical testing. Allele origin: germline. Affected: yes.
Comment: See Variant Classification Assertion Criteria.

Illumina Laboratory Services, Illumina
Classification: Likely benign for Weill-Marchesani syndrome. Last evaluated: 2018-01-13. Review status: criteria provided, single submitter. Criteria: ICSL Variant Classification Criteria 13 December 2019. Collection method: clinical testing. Allele origin: germline.
Comment: This variant was observed in the ICSL laboratory as part of a predisposition screen in an ostensibly healthy population. It had not been previously curated by ICSL or reported in the Human Gene Mutation Database (HGMD: prior to June 1st, 2018), and was therefore a candidate for classification through an automated scoring system. Utilizing variant allele frequency, disease prevalence and penetrance estimates, and inheritance mode, an automated score was calculated to assess if this variant is too frequent to cause the disease. Based on the score and internal cut-off values, a variant classified as likely benign is not then subjected to further curation. The score for this variant resulted in a classification of likely benign for this disease.

PreventionGenetics, part of Exact Sciences
Classification: Benign for ADAMTS10-related condition. Last evaluated: 2019-05-08. Review status: no assertion criteria provided. Collection method: clinical testing. Allele origin: germline. Not counted in ClinVar's aggregate classification.
Comment: This variant is classified as benign based on ACMG/AMP sequence variant interpretation guidelines (Richards et al. 2015 PMID: 25741868, with internal and published modifications).

Genome Diagnostics Laboratory, Amsterdam University Medical Center
Classification: Benign. Review status: no assertion criteria provided. Collection method: clinical testing. Allele origin: germline. Affected: yes. Study: VKGL Data-share Consensus. Not counted in ClinVar's aggregate classification.

Laboratory of Diagnostic Genome Analysis, Leiden University Medical Center (LUMC)
Classification: Likely benign. Review status: no assertion criteria provided. Collection method: clinical testing. Allele origin: germline. Affected: yes. Study: VKGL Data-share Consensus. Not counted in ClinVar's aggregate classification.